The following is an entry in ClinVar:

ClinVar aggregate classification (germline): Conflicting classifications of pathogenicity. Review status: criteria provided, conflicting classifications (1 of 4 stars). 5 submissions from 5 submitters: Uncertain significance (1); Benign (1); Likely benign (2). 1 of the submissions does not count toward it. Last evaluated 2025-12-06.

Conditions:
SYNE2-related disorder. Also called: SYNE2-related condition.
Emery-Dreifuss muscular dystrophy 5, autosomal dominant (EDMD5). Also called: EMERY-DREIFUSS MUSCULAR DYSTROPHY 5. Identifiers: Orphanet 261, MedGen C2751805, MONDO:0013072, OMIM 612999.

Allele frequency attached by ClinVar (database versions not stated): gnomAD 0.00006; ESP Exome Variant Server 0.00008; gnomAD exomes 0.00016 and 0.00030; ExAC 0.00024; TOPMed 0.00025.
gnomAD v4.1: 292 of 1,613,984 alleles (0.018%); highest among the groups gnomAD compares: Admixed American, 0.057%; 1 homozygote.

Submissions (5):

Labcorp Genetics (formerly Invitae), Labcorp
Classification: Likely benign for Emery-Dreifuss muscular dystrophy 5, autosomal dominant. Last evaluated: 2025-12-06. Review status: criteria provided, single submitter. Criteria: Invitae Variant Classification Sherloc (09022015). Collection method: clinical testing. Allele origin: germline.

CeGaT Center for Human Genetics Tuebingen
Classification: Likely benign. Last evaluated: 2025-07-01. Review status: criteria provided, single submitter. Criteria: CeGaT Center For Human Genetics Tuebingen Variant Classification Criteria Version 2. Collection method: clinical testing. Allele origin: germline. Affected: yes. Observed: 1 variant allele.
Comment: SYNE2: BP4, BS1

Illumina Laboratory Services, Illumina
Classification: Benign for Emery-Dreifuss muscular dystrophy 5, autosomal dominant. Last evaluated: 2018-01-13. Review status: criteria provided, single submitter. Criteria: ICSL Variant Classification Criteria 13 December 2019. Collection method: clinical testing. Allele origin: germline.
Comment: This variant was observed in the ICSL laboratory as part of a predisposition screen in an ostensibly healthy population. It had not been previously curated by ICSL or reported in the Human Gene Mutation Database (HGMD: prior to June 1st, 2018), and was therefore a candidate for classification through an automated scoring system. Utilizing variant allele frequency, disease prevalence and penetrance estimates, and inheritance mode, an automated score was calculated to assess if this variant is too frequent to cause the disease. Based on the score and internal cut-off values, a variant classified as benign is not then subjected to further curation. The score for this variant resulted in a classification of benign for this disease.

Eurofins Ntd Llc (ga)
Classification: Uncertain significance. Last evaluated: 2015-08-24. Review status: criteria provided, single submitter. Criteria: EGL Classification Definitions 2015. Collection method: clinical testing. Allele origin: germline. Observed: 1 variant allele, 1 heterozygote.

PreventionGenetics, part of Exact Sciences
Classification: Likely benign for SYNE2-related condition. Last evaluated: 2020-07-28. Review status: no assertion criteria provided. Collection method: clinical testing. Allele origin: germline. Not counted in ClinVar's aggregate classification.
Comment: This variant is classified as likely benign based on ACMG/AMP sequence variant interpretation guidelines (Richards et al. 2015 PMID: 25741868, with internal and published modifications).

NM_182914.3(SYNE2):c.15689A>G (p.Lys5230Arg)

Gene: SYNE2 (spectrin repeat containing nuclear envelope protein 2; plus strand). Cytogenetic location: 14q23.2.
Variant type: single nucleotide variant.
Coding change: c.15689A>G on transcript NM_182914.3 (MANE Select); coding-DNA position 15689, A replaced by G.
Protein change: p.Lys5230Arg; replaces lysine 5230 with arginine.
Molecular consequence: missense variant.
Genome position (GRCh38, 1-based): chr14:64,152,613, A>G. VCF-style: chr14-64152613-A-G. GRCh37 (hg19) VCF-style: chr14-64619331-A-G.
Other names: c.15689A>G, p.Lys5230Arg (NM_015180.6); short protein forms K5230R.
Identifiers: ClinVar variation 282882 (VCV000282882.28), dbSNP rs146573874, ClinGen allele CA7223165.
Genomic context (GRCh38, chr14:64,152,613, plus strand): 5'-TACTCTTCCAGGATATAGAAAATCAACTTGCAATTAAATCCAAAGCACTAGATGAGTTGA[A>G]ACAAAGTTATCTGACTTTGGAGAGTGGGGCAGTGCCATTGTTAGAAGATACAGCATCCCG-3'
Protein context (NP_878918.2, residues 5220-5240): AIKSKALDEL[Lys5230Arg]QSYLTLESGA